The following is an entry in ClinVar:

NM_003907.3(EIF2B5):c.353A>G (p.Asn118Ser)

Gene: EIF2B5 (eukaryotic translation initiation factor 2B subunit epsilon; plus strand). Cytogenetic location: 3q27.1.
Variant type: single nucleotide variant.
Coding change: c.353A>G on transcript NM_003907.3 (MANE Select); coding-DNA position 353, A replaced by G.
Protein change: p.Asn118Ser; replaces asparagine 118 with serine.
Molecular consequence: missense variant.
Genome position (GRCh38, 1-based): chr3:184,137,652, A>G. VCF-style: chr3-184137652-A-G. GRCh37 (hg19) VCF-style: chr3-183855440-A-G.
Other names: short protein forms N118S.
Identifiers: ClinVar variation 1355831 (VCV001355831.4), dbSNP rs774068091, ClinGen allele CA2726379.

ClinVar aggregate classification (germline): Uncertain significance (1 of 4 stars; one submission).

Allele frequency attached by ClinVar (database versions not stated): ExAC 0.00002; gnomAD 0.00003; gnomAD exomes 0.00004; TOPMed 0.00006.
gnomAD v4.1: 21 of 1,613,950 alleles (0.0013%); highest among the groups gnomAD compares: Admixed American, 0.013%; no homozygotes.

Submission:

Labcorp Genetics (formerly Invitae), Labcorp
Classification: Uncertain significance. Last evaluated: 2026-01-05. Review status: criteria provided, single submitter. Criteria: Invitae Variant Classification Sherloc (09022015). Collection method: clinical testing. Allele origin: germline.
Comment: This sequence change replaces asparagine, which is neutral and polar, with serine, which is neutral and polar, at codon 118 of the EIF2B5 protein (p.Asn118Ser). This variant is present in population databases (rs774068091, gnomAD 0.02%). This variant has not been reported in the literature in individuals affected with EIF2B5-related conditions. ClinVar contains an entry for this variant (Variation ID: 1355831). Invitae Evidence Modeling of protein sequence and biophysical properties (such as structural, functional, and spatial information, amino acid conservation, physicochemical variation, residue mobility, and thermodynamic stability) has been performed for this missense variant. However, the output from this modeling did not meet the statistical confidence thresholds required to predict the impact of this variant on EIF2B5 protein function. In summary, the available evidence is currently insufficient to determine the role of this variant in disease. Therefore, it has been classified as a Variant of Uncertain Significance.